The following is an entry in ClinVar:

NM_033028.5(BBS4):c.1389dup (p.Ser464fs)

Gene: BBS4 (Bardet-Biedl syndrome 4; plus strand). Cytogenetic location: 15q24.1.
Variant type: Duplication.
Coding change: c.1389dup on transcript NM_033028.5 (MANE Select); coding-DNA position 1389, one base duplicated (C; older notation c.1389dupC).
Protein change: p.Ser464fs; shifts the reading frame from serine 464.
Molecular consequence: frameshift variant. On other transcripts: non-coding transcript variant (2).
Genome position (GRCh38, 1-based): chr15:72,736,902, C duplicated. VCF-style (leftmost placement, unchanged base first): chr15-72736901-G-GC. GRCh37 (hg19) VCF-style: chr15-73029242-G-GC.
Other names: c.873dup, p.Ser292fs (NM_001252678.2); c.1320dup, p.Ser441fs (NM_001320665.2); short protein forms S292fs, S441fs, S464fs.
Identifiers: ClinVar variation 2680041 (VCV002680041.4), dbSNP rs750462550, ClinGen allele CA7647011.

ClinVar aggregate classification (germline): Pathogenic/Likely pathogenic. Review status: criteria provided, multiple submitters, no conflicts (2 of 4 stars). 2 submissions from 2 submitters: Pathogenic (1); Likely pathogenic (1). Last evaluated 2023-07-13.

Conditions:
Bardet-Biedl syndrome (BBS). Identifiers: Orphanet 110, MedGen C0752166, MONDO:0015229.
Bardet-Biedl syndrome 4 (BBS4). Identifiers: Orphanet 110, MedGen C2936864, MONDO:0014433, OMIM 615982.

Allele frequency attached by ClinVar (database versions not stated): ExAC 0.00001.

Submissions (2):

Baylor Genetics
Classification: Likely pathogenic for Bardet-Biedl syndrome 4. Last evaluated: 2023-07-13. Review status: criteria provided, single submitter. Criteria: ACMG Guidelines, 2015. Collection method: clinical testing. Allele origin: unknown.

Labcorp Genetics (formerly Invitae), Labcorp
Classification: Pathogenic for Bardet-Biedl syndrome. Last evaluated: 2023-03-13. Review status: criteria provided, single submitter. Criteria: Invitae Variant Classification Sherloc (09022015). Collection method: clinical testing. Allele origin: germline.
Comment: For these reasons, this variant has been classified as Pathogenic. This variant has not been reported in the literature in individuals affected with BBS4-related conditions. This variant is present in population databases (rs750462550, gnomAD 0.006%). This sequence change creates a premature translational stop signal (p.Ser464Leufs*2) in the BBS4 gene. It is expected to result in an absent or disrupted protein product. Loss-of-function variants in BBS4 are known to be pathogenic (PMID: 11381270, 12016587, 20177705, 27894351).

Literature cited by the submitters: PubMed 11381270 (cited by Labcorp Genetics (formerly Invitae), Labcorp); PubMed 12016587 (cited by Labcorp Genetics (formerly Invitae), Labcorp); PubMed 20177705 (cited by Labcorp Genetics (formerly Invitae), Labcorp); PubMed 27894351 (cited by Labcorp Genetics (formerly Invitae), Labcorp).